The following is an entry in ClinVar:

GRCh38/hg38 9p24.3(chr9:204193-315028)x1

Genes: DOCK8 (dedicator of cytokinesis 8; plus strand), DOCK8-AS1 (DOCK8 antisense RNA 1; minus strand), LOC126860552 (BRD4-independent group 4 enhancer GRCh37_chr9:285795-286994; plus strand), LOC130001435 (ATAC-STARR-seq lymphoblastoid silent region 19720; plus strand), LOC130001436 (ATAC-STARR-seq lymphoblastoid silent region 19721; plus strand) and 4 more. Cytogenetic location: 9p24.3.
Variant type: copy number loss.
Change: copy number 1 (one copy instead of two) of chr9:204,193-315,028 (110.8 kb, GRCh38 coordinates, 1-based), cytogenetic band 9p24.3.
Identifiers: ClinVar variation 59029 (VCV000059029.1).

ClinVar aggregate classification (germline): Uncertain significance (1 of 4 stars; one submission).

Submission:

ISCA site 14
Classification: Uncertain significance. Last evaluated: 2011-08-12. Review status: criteria provided, single submitter. Criteria: Kaminsky et al. (Genet Med. 2011). Collection method: clinical testing. Allele origin: maternal. Affected: yes. Observed: 1 variant allele.
Comment: Copy number variation identified through the course of routine clinical cytogenomic testing in postnatal populations. Clinical assertions have been curated as described in Kaminsky et al. 2011.